The following is an entry in ClinVar:

NM_003640.5(ELP1):c.3313A>G (p.Ile1105Val)

Gene: ELP1 (elongator acetyltransferase complex subunit 1; minus strand). Cytogenetic location: 9q31.3.
Variant type: single nucleotide variant.
Coding change: c.3313A>G on transcript NM_003640.5 (MANE Select); coding-DNA position 3313, A replaced by G.
Protein change: p.Ile1105Val; replaces isoleucine 1105 with valine.
Molecular consequence: missense variant.
Genome position (GRCh38, 1-based): chr9:108,881,738, T>C on the plus strand (A>G on the coding strand, the complement: ELP1 is on the minus strand). VCF-style: chr9-108881738-T-C. GRCh37 (hg19) VCF-style: chr9-111644018-T-C.
Other names: c.2971A>G, p.Ile991Val (NM_001318360.2); c.2266A>G, p.Ile756Val (NM_001330749.2); short protein forms I756V, I991V, I1105V.
Identifiers: ClinVar variation 1513210 (VCV001513210.8), dbSNP rs2118946082, ClinGen allele CA374413186.
Genomic context (GRCh38, chr9:108,881,738, plus strand): 5'-GAATTCTATCTAAAATGGAACCCTCACCTTCTAAAATGGAAGGCTTTACGTTGGTTTCTA[T>C]AATATCCAGTCTGTTATATTTGTATACCTAGAAGGAAAAACACAATAATTTTAGGAAGGA-3'
Protein context (NP_003631.2, residues 1095-1115): LVYKYNRLDI[Ile1105Val]ETNVKPSILE

ClinVar aggregate classification (germline): Uncertain significance (1 of 4 stars; one submission).

Submission:

Labcorp Genetics (formerly Invitae), Labcorp
Classification: Uncertain significance. Last evaluated: 2020-12-29. Review status: criteria provided, single submitter. Criteria: Invitae Variant Classification Sherloc (09022015). Collection method: clinical testing. Allele origin: germline.
Comment: In summary, the available evidence is currently insufficient to determine the role of this variant in disease. Therefore, it has been classified as a Variant of Uncertain Significance. Algorithms developed to predict the effect of missense changes on protein structure and function (SIFT, PolyPhen-2, Align-GVGD) all suggest that this variant is likely to be tolerated, but these predictions have not been confirmed by published functional studies and their clinical significance is uncertain. This variant has not been reported in the literature in individuals with ELP1-related conditions. This variant is not present in population databases (ExAC no frequency). This sequence change replaces isoleucine with valine at codon 1105 of the ELP1 protein (p.Ile1105Val). The isoleucine residue is weakly conserved and there is a small physicochemical difference between isoleucine and valine.